The following is an entry in ClinVar:

NC_000023.10:g.(?_152770090)_(152770347_?)dup

Gene: BGN (biglycan; plus strand). Cytogenetic location: Xq28.
Variant type: Duplication.
Identifiers: ClinVar variation 3246463 (VCV003246463.1).

ClinVar aggregate classification (germline): Uncertain significance (1 of 4 stars; one submission).

Submission:

Labcorp Genetics (formerly Invitae), Labcorp
Classification: Uncertain significance. Last evaluated: 2023-02-04. Review status: criteria provided, single submitter. Criteria: Invitae Variant Classification Sherloc (09022015). Collection method: clinical testing. Allele origin: unknown.
Comment: In summary, the available evidence is currently insufficient to determine the role of this variant in disease. Therefore, it has been classified as a Variant of Uncertain Significance. This variant has not been reported in the literature in individuals affected with BGN-related conditions. This variant results in a copy number gain of the genomic region encompassing exon(s) 2 of the BGN gene. This region includes the initiator codon of the gene. This copy number gain extends beyond the assayed region for this gene and therefore may encompass additional genes. As the precise location of this event is unknown, it may be in tandem or it may be located elsewhere in the genome.